The following is an entry in ClinVar:

NM_206933.4(USH2A):c.11237_11242del (p.Thr3746_Tyr3747del)

Gene: USH2A (usherin; minus strand). Cytogenetic location: 1q41.
Variant type: Deletion.
Coding change: c.11237_11242del on transcript NM_206933.4 (MANE Select); coding-DNA positions 11237 to 11242, 6 bases deleted (CTTACA; older notation c.11237_11242delCTTACA).
Protein change: p.Thr3746_Tyr3747del.
Molecular consequence: inframe deletion.
Genome position (GRCh38, 1-based): chr1:215,758,742-215,758,747, TGTAAG deleted on the plus strand (CTTACA on the coding strand, the reverse complement: USH2A is on the minus strand); deleting any 6 consecutive bases within chr1:215,758,742-215,758,751 gives the same sequence; the c. name uses the placement nearest the transcript's 3' end. VCF-style (leftmost placement, unchanged base first): chr1-215758741-TTGTAAG-T. GRCh37 (hg19) VCF-style: chr1-215932083-TTGTAAG-T.
Identifiers: ClinVar variation 2860442 (VCV002860442.4), dbSNP rs2465089305, ClinGen allele CA2739275630.
Genomic context (GRCh38, chr1:215,758,741, plus strand): 5'-GGTGTTTGAACAATGTAATCATCACTAGCACTGCTGCCACCTCCAGTTTTGACTTCTAAC[TTGTAAG>T]TGTATCTATATTTAAAAAGAAAGAAGAATTGTGGTAAGGCCATGCACAAGAGACTTGAAC-3'

ClinVar aggregate classification (germline): Uncertain significance. Review status: criteria provided, multiple submitters, no conflicts (2 of 4 stars). 2 submissions from 2 submitters: Uncertain significance (2). Last evaluated 2023-06-04.

Submissions (2):

Labcorp Genetics (formerly Invitae), Labcorp
Classification: Uncertain significance. Last evaluated: 2023-06-04. Review status: criteria provided, single submitter. Criteria: Invitae Variant Classification Sherloc (09022015). Collection method: clinical testing. Allele origin: germline.
Comment: This variant has not been reported in the literature in individuals affected with USH2A-related conditions. This variant is not present in population databases (gnomAD no frequency). This variant, c.11237_11242del, results in the deletion of 2 amino acid(s) of the USH2A protein (p.Thr3746_Tyr3747del), but otherwise preserves the integrity of the reading frame. Experimental studies and prediction algorithms are not available or were not evaluated, and the functional significance of this variant is currently unknown. In summary, the available evidence is currently insufficient to determine the role of this variant in disease. Therefore, it has been classified as a Variant of Uncertain Significance.

Blueprint Genetics
Classification: Uncertain significance. Last evaluated: 2022-01-29. Review status: criteria provided, single submitter. Criteria: ACMG Guidelines, 2015. Collection method: clinical testing. Allele origin: germline.